The following is an entry in ClinVar:

NM_000059.4(BRCA2):c.3422C>T (p.Thr1141Ile)

Gene: BRCA2 (BRCA2 DNA repair associated; plus strand). Cytogenetic location: 13q13.1.
Variant type: single nucleotide variant.
Coding change: c.3422C>T on transcript NM_000059.4 (MANE Select); coding-DNA position 3422, C replaced by T.
Protein change: p.Thr1141Ile; replaces threonine 1141 with isoleucine.
Molecular consequence: missense variant.
Genome position (GRCh38, 1-based): chr13:32,337,777, C>T. VCF-style: chr13-32337777-C-T. GRCh37 (hg19) VCF-style: chr13-32911914-C-T.
Other names: 3650C>T; short protein forms T1141I.
Identifiers: ClinVar variation 37839 (VCV000037839.19), dbSNP rs397507308, ClinGen allele CA017995.

ClinVar aggregate classification (germline): Conflicting classifications of pathogenicity. Review status: criteria provided, conflicting classifications (1 of 4 stars). 7 submissions from 7 submitters: Uncertain significance (5); Likely benign (1). 1 of the submissions does not count toward it. Last evaluated 2025-12-29.

Conditions:
Hereditary cancer-predisposing syndrome. Also called: Tumor predisposition; Neoplastic Syndromes, Hereditary; Hereditary neoplastic syndrome; Hereditary Cancer Syndrome. Identifiers: Orphanet 140162, MedGen C0027672, MeSH D009386, MONDO:0015356.
Hereditary breast ovarian cancer syndrome. Also called: Hereditary breast and ovarian cancer; Hereditary breast and ovarian cancer syndrome (HBOC); Hereditary breast and/or ovarian cancer syndrome; Breast and ovarian cancer; Hereditary breast and ovarian cancer syndrome; BRCA1- and BRCA2-Associated Hereditary Breast and Ovarian Cancer. Identifiers: Orphanet 145, MedGen C0677776, MeSH D061325, MONDO:0003582. Disease mechanism: loss of function.
Breast-ovarian cancer, familial, susceptibility to, 2 (BROVCA2). Also called: BRCA2 Hereditary Breast and Ovarian Cancer. Identifiers: Orphanet 145, MedGen C2675520, MONDO:0012933, OMIM 612555. Disease mechanism: loss of function.

Allele frequency attached by ClinVar (database versions not stated): gnomAD exomes below 0.00001.
gnomAD v4.1: 2 of 1,613,996 alleles (0.00012%); highest among the groups gnomAD compares: Non-Finnish European, 0.00017%; no homozygotes.

Submissions (7):

Labcorp Genetics (formerly Invitae), Labcorp
Classification: Uncertain significance for Hereditary breast ovarian cancer syndrome. Last evaluated: 2025-12-29. Review status: criteria provided, single submitter. Criteria: Invitae Variant Classification Sherloc (09022015). Collection method: clinical testing. Allele origin: germline.
Comment: This sequence change replaces threonine, which is neutral and polar, with isoleucine, which is neutral and non-polar, at codon 1141 of the BRCA2 protein (p.Thr1141Ile). This variant is present in population databases (rs397507308, gnomAD 0.0009%). This variant has not been reported in the literature in individuals affected with BRCA2-related conditions. ClinVar contains an entry for this variant (Variation ID: 37839). Invitae Evidence Modeling of protein sequence and biophysical properties (such as structural, functional, and spatial information, amino acid conservation, physicochemical variation, residue mobility, and thermodynamic stability) indicates that this missense variant is not expected to disrupt BRCA2 protein function with a negative predictive value of 95%. In summary, the available evidence is currently insufficient to determine the role of this variant in disease. Therefore, it has been classified as a Variant of Uncertain Significance.

Ambry Genetics
Classification: Uncertain significance for Hereditary cancer-predisposing syndrome. Last evaluated: 2024-04-20. Review status: criteria provided, single submitter. Criteria: Ambry Variant Classification Scheme 2023. Collection method: clinical testing. Allele origin: germline.
Comment: The p.T1141I variant (also known as c.3422C>T), located in coding exon 10 of the BRCA2 gene, results from a C to T substitution at nucleotide position 3422. The threonine at codon 1141 is replaced by isoleucine, an amino acid with similar properties. This amino acid position is not well conserved in available vertebrate species. In addition, this alteration is predicted to be tolerated by in silico analysis. Since supporting evidence is limited at this time, the clinical significance of this alteration remains unclear.

University of Washington Department of Laboratory Medicine, University of Washington
Classification: Likely benign for Hereditary cancer-predisposing syndrome. Last evaluated: 2023-03-23. Review status: criteria provided, single submitter. Criteria: Dines et al. (Genet Med. 2020). Collection method: curation. Allele origin: germline.
Comment: Missense variant in a coldspot region where missense variants are very unlikely to be pathogenic (PMID:31911673).

BRCA2 exon 11 coldspot. Reclassification based on statistical prior probability.

Sema4
Classification: Uncertain significance for Hereditary cancer-predisposing syndrome. Last evaluated: 2021-11-01. Review status: criteria provided, single submitter. Criteria: Sema4 Curation Guidelines. Collection method: curation. Allele origin: germline.
Comment: To the best of our knowledge, the BRCA2 c.3422C>T (p.T1141I) variant has not been reported in individuals with BRCA2-related disease. This variant was observed in 1/113392 chromosomes in the European (non-Finnish) subpopulation according to the Genome Aggregation Database (PMID: 32461654), and has been reported in ClinVar (Variation ID: 37839). Functional studies have not been performed, and in silico predictions of the variant's effect on protein function are inconclusive. Based on the current evidence available, this variant is interpreted as a variant of uncertain significance.

Color Diagnostics, LLC DBA Color Health
Classification: Uncertain significance for Hereditary cancer-predisposing syndrome. Last evaluated: 2019-04-26. Review status: criteria provided, single submitter. Criteria: ACMG Guidelines, 2015. Collection method: clinical testing. Allele origin: germline.

Women's Health and Genetics/Laboratory Corporation of America, LabCorp
Classification: Uncertain significance. Last evaluated: 2018-06-01. Review status: criteria provided, single submitter. Criteria: LabCorp Variant Classification Summary - May 2015. Collection method: clinical testing. Allele origin: germline.
Comment: Variant summary: BRCA2 c.3422C>T (p.Thr1141Ile) results in a non-conservative amino acid change located in the BRCA2 repeat region, between the first and second repeat (IPR002093) of the encoded protein sequence. Four of five in-silico tools predict a benign effect of the variant on protein function. The variant allele was found at a frequency of 4.1e-06 in 245788 control chromosomes. The available data on variant occurrences in the general population are insufficient to allow any conclusion about variant significance. To our knowledge, no occurrence of c.3422C>T in individuals affected with Hereditary Breast and Ovarian Cancer and no experimental evidence demonstrating its impact on protein function have been reported. Two clinical diagnostic laboratories have submitted clinical-significance assessments for this variant to ClinVar after 2014 without evidence for independent evaluation, and both of them classified the variant as uncertain significance. Based on the evidence outlined above, the variant was classified as uncertain significance.

Sharing Clinical Reports Project (SCRP)
Classification: Uncertain significance for Breast-ovarian cancer, familial 2. Last evaluated: 2008-06-19. Review status: no assertion criteria provided. Collection method: clinical testing. Allele origin: germline. Not counted in ClinVar's aggregate classification.